The following is an entry in ClinVar:

NM_181882.3(PRX):c.3351_3352delinsTA (p.Val1118Ile)

Gene: PRX (periaxin; minus strand). Cytogenetic location: 19q13.2.
Variant type: Indel.
Coding change: c.3351_3352delinsTA on transcript NM_181882.3 (MANE Select); coding-DNA positions 3351 to 3352, CG replaced by TA.
Protein change: p.Val1118Ile; replaces valine 1118 with isoleucine.
Molecular consequence: missense variant. On other transcripts: 3 prime UTR variant (1).
Genome position (GRCh38, 1-based): chr19:40,395,000-40,395,001, CG replaced by TA on the plus strand (CG replaced by TA on the coding strand, the reverse complement: PRX is on the minus strand). VCF-style: chr19-40395000-CG-TA. GRCh37 (hg19) VCF-style: chr19-40900907-CG-TA.
Other names: c.*3556_*3557delinsTA (NM_020956.2); short protein forms V1118I.
Identifiers: ClinVar variation 1060295 (VCV001060295.7), dbSNP rs2145726691, ClinGen allele CA2499225485.

ClinVar aggregate classification (germline): Uncertain significance (1 of 4 stars; one submission).

Conditions:
Charcot-Marie-Tooth disease type 4. Also called: Charcot-Marie-Tooth, Type 4; Charcot-Marie-Tooth disease, type IV. Identifiers: Orphanet 64749, MedGen C4082197, MONDO:0018995.

Submission:

Labcorp Genetics (formerly Invitae), Labcorp
Classification: Uncertain significance for Charcot-Marie-Tooth disease type 4. Last evaluated: 2020-10-08. Review status: criteria provided, single submitter. Criteria: Invitae Variant Classification Sherloc (09022015). Collection method: clinical testing. Allele origin: germline.
Comment: Experimental studies and prediction algorithms are not available or were not evaluated, and the functional significance of this variant is currently unknown. In summary, the available evidence is currently insufficient to determine the role of this variant in disease. Therefore, it has been classified as a Variant of Uncertain Significance. This variant has not been reported in the literature in individuals with PRX-related conditions. The frequency data for this variant in the population databases is not available, as this variant may be reported as separate entries in the ExAC database. This sequence change replaces valine with isoleucine at codon 1118 of the PRX protein (p.Val1118Ile). The valine residue is weakly conserved and there is a small physicochemical difference between valine and isoleucine.